The following is an entry in ClinVar:

ClinVar aggregate classification (germline): Uncertain significance (1 of 4 stars; one submission).

Allele frequency attached by ClinVar (database versions not stated): TOPMed below 0.00001; ExAC 0.00001; gnomAD exomes 0.00001.
gnomAD v4.1: 17 of 1,611,942 alleles (0.0011%); highest among the groups gnomAD compares: Non-Finnish European, 0.0013%; no homozygotes.

Submission:

Labcorp Genetics (formerly Invitae), Labcorp
Classification: Uncertain significance. Last evaluated: 2024-10-24. Review status: criteria provided, single submitter. Criteria: Invitae Variant Classification Sherloc (09022015). Collection method: clinical testing. Allele origin: germline.
Comment: This sequence change replaces asparagine, which is neutral and polar, with serine, which is neutral and polar, at codon 35 of the CRIPT protein (p.Asn35Ser). This variant is present in population databases (rs760265417, gnomAD 0.002%). This variant has not been reported in the literature in individuals affected with CRIPT-related conditions. ClinVar contains an entry for this variant (Variation ID: 2012836). An algorithm developed to predict the effect of missense changes on protein structure and function (PolyPhen-2) suggests that this variant is likely to be tolerated. In summary, the available evidence is currently insufficient to determine the role of this variant in disease. Therefore, it has been classified as a Variant of Uncertain Significance.

NM_014171.6(CRIPT):c.104A>G (p.Asn35Ser)

Gene: CRIPT (CXXC repeat containing interactor of PDZ3 domain; plus strand). Cytogenetic location: 2p21.
Variant type: single nucleotide variant.
Coding change: c.104A>G on transcript NM_014171.6 (MANE Select); coding-DNA position 104, A replaced by G.
Protein change: p.Asn35Ser; replaces asparagine 35 with serine.
Molecular consequence: missense variant.
Genome position (GRCh38, 1-based): chr2:46,619,648, A>G. VCF-style: chr2-46619648-A-G. GRCh37 (hg19) VCF-style: chr2-46846787-A-G.
Other names: short protein forms N35S.
Identifiers: ClinVar variation 2012836 (VCV002012836.4), dbSNP rs760265417, ClinGen allele CA1646300.
Genomic context (GRCh38, chr2:46,619,648, plus strand): 5'-TAGAAATAACCCACTAAAATATCTTTTATTCTGATACAGAAAGTGGTGGAAGAAAGCTGA[A>G]TGAAAATAAAGCTTTGACTTCAAAAAAAGCAAGGTGGGTAAGAGGATCCATCGATGGGTC-3'
Protein context (NP_054890.1, residues 25-45): NTTESGGRKL[Asn35Ser]ENKALTSKKA